The following is an entry in ClinVar:

NM_006586.5(CNPY3):c.614-1G>A

Genes: CNPY3 (canopy FGF signaling regulator 3; plus strand), CNPY3-GNMT (CNPY3-GNMT readthrough; plus strand). Cytogenetic location: 6p21.1.
Variant type: single nucleotide variant.
Coding change: c.614-1G>A on transcript NM_006586.5 (MANE Select); the canonical splice acceptor site of the intron before coding-DNA position 614, G replaced by A.
Molecular consequence: splice acceptor variant. On other transcripts: intron variant (3).
Genome position (GRCh38, 1-based): chr6:42,938,567, G>A. VCF-style: chr6-42938567-G-A. GRCh37 (hg19) VCF-style: chr6-42906305-G-A.
Other names: c.713-1G>A (NM_001318842.1); c.347-1G>A (NM_001318845.1); c.8+8846G>A (NM_001318856.2); c.151+8846G>A (NM_001318857.2, NM_001318858.2).
Identifiers: ClinVar variation 3251494 (VCV003251494.1), dbSNP rs2481082192.

ClinVar aggregate classification (germline): Uncertain significance (1 of 4 stars; one submission).

Submission:

Women's Health and Genetics/Laboratory Corporation of America, LabCorp
Classification: Uncertain significance. Last evaluated: 2024-04-05. Review status: criteria provided, single submitter. Criteria: LabCorp Variant Classification Summary - May 2015. Collection method: clinical testing. Allele origin: germline.
Comment: Variant summary: CNPY3 c.614-1G>A is located in a canonical splice-site (in the last intron) and is predicted to affect mRNA splicing resulting in a significantly altered protein due to either exon skipping, shortening, or inclusion of intronic material. Several computational tools predict a significant impact on normal splicing: Three predict the variant abolishes a 3' acceptor site. One predict the variant weakens a 3' acceptor site. However, these predictions have yet to be confirmed by functional studies. The variant was absent in 191462 control chromosomes. The available data on variant occurrences in the general population are insufficient to allow any conclusion about variant significance. To our knowledge, no occurrence of c.614-1G>A in individuals affected with Developmental And Epileptic Encephalopathy, 60 and no experimental evidence demonstrating its impact on protein function have been reported. No submitters have cited clinical-significance assessments for this variant to ClinVar. Based on the evidence outlined above, the variant was classified as uncertain significance.